The following continues an entry in ClinVar:

NM_000018.4(ACADVL):c.1837C>T (p.Arg613Trp)

Gene: ACADVL. ClinVar aggregate classification (germline): Likely pathogenic. Likely pathogenic (1).

Submissions 9 to 16 of 16:

Women's Health and Genetics/Laboratory Corporation of America, LabCorp
Classification: Pathogenic for Very long chain acyl-CoA dehydrogenase deficiency. Last evaluated: 2022-07-01. Review status: criteria provided, single submitter. Criteria: LabCorp Variant Classification Summary - May 2015. Collection method: clinical testing. Allele origin: germline. Not counted in ClinVar's aggregate classification.
Comment: Variant summary: ACADVL c.1837C>T (p.Arg613Trp) results in a non-conservative amino acid change in the encoded protein sequence. Five of five in-silico tools predict a damaging effect of the variant on protein function. The variant allele was found at a frequency of 5.2e-05 in 251108 control chromosomes (gnomAD). This frequency is not higher than expected for a pathogenic variant in ACADVL causing Very Long Chain Acyl-CoA Dehydrogenase Deficiency (5.2e-05 vs 0.0029), allowing no conclusion about variant significance. c.1837C>T has been reported in the literature in multiple compound heterozygous and homozygous individuals affected with Very Long Chain Acyl-CoA Dehydrogenase Deficiency (e.g. Strauss_1995, Souri_1996, Gobin-Limballe_2007, Bouvier_2017, Olsson_2022). These data indicate that the variant is very likely to be associated with disease. At least two publications have reported experimental evidence demonstrating that the variant protein has little to no enzymatic activity (0.2% of normal ACADVL) and provided data indicating that the variant strongly impacts either enzyme assembly or stability (e.g. Souri_1996, Goetzman_2007). Six assessments for this variant have been submitted to ClinVar after 2014 and all classified the variant as pathogenic. Based on the evidence outlined above, the variant was classified as pathogenic.

Clinical Genetics Laboratory, Skane University Hospital Lund
Classification: Pathogenic. Last evaluated: 2022-05-27. Review status: criteria provided, single submitter. Criteria: ACMG Guidelines, 2015. Collection method: clinical testing. Allele origin: germline. Affected: yes. Not counted in ClinVar's aggregate classification.

Wong Mito Lab, Molecular and Human Genetics, Baylor College of Medicine
Classification: Pathogenic for Very long chain acyl-CoA dehydrogenase deficiency. Last evaluated: 2019-11-01. Review status: criteria provided, single submitter. Criteria: ACMG Guidelines, 2015. Collection method: clinical testing. Allele origin: germline. Not counted in ClinVar's aggregate classification.
Comment: The NM_000018.3:c.1837C>T (NP_000009.1:p.Arg613Trp) [GRCH38: NC_000017.11:g.7224966C>T] variant in ACADVL gene is interpretated to be Pathogenic based on ACMG guidelines (PMID: 25741868). This variant has been reported in PMID: 7479827. This variant meets the following evidence codes reported in the ACMG guidelines: PS1, PS3

Illumina Laboratory Services, Illumina
Classification: Pathogenic for Very long chain acyl-CoA dehydrogenase deficiency. Last evaluated: 2018-09-20. Review status: criteria provided, single submitter. Criteria: ICSL Variant Classification Criteria 09 May 2019. Collection method: clinical testing. Allele origin: germline. Not counted in ClinVar's aggregate classification.
Comment: The ACADVL c.1837C>T (p.Arg613Trp) variant has been reported in at least four studies and is found in a total of five probands with VLCAD deficiency including two in a homozygous state and three in a compound heterozygous state (Strauss et al. 1995; Gobin-Limballe et al. 2007; Laforet et al. 2009; Bouvier et al. 2017). Control data are unavailable for this variant, which is reported at a frequency of 0.00014 in the European (non-Finnish) population of the Exome Aggregation Consortium. Analysis of proband fibroblasts reported by revealed significantly lower VLCAD enzyme activity and no detectable ACADVL protein (Hale et al. 1985; Strauss et al. 1995; Aoyama et al. 1995). Souri et al. (1996) reported the p.Arg613Trp variant protein expressed in CHO cells had significantly less protein accumulation when compared to wild type despite normal mRNA levels, reduced VLCAD activity, and failure to homodimerize. Further, Goetzman et al. (2007) used a bacterial expression system to confirm that the p.Arg613Trp variant protein has no VLCAD activity. Based on the evidence, the p.Arg613Trp variant is classified as pathogenic for VLCAD deficiency. This variant was observed by ICSL as part of a predisposition screen in an ostensibly healthy population.

GeneDx
Classification: Pathogenic. Last evaluated: 2017-06-27. Review status: criteria provided, single submitter. Criteria: GeneDx Variant Classification (06012015). Collection method: clinical testing. Allele origin: germline. Affected: yes. Not counted in ClinVar's aggregate classification.
Comment: The R613W missense mutation identified in the ACADVL gene has been reported previously in association with very long chain acyl-CoA dehydrogenase (VLCAD) deficiency (Strauss et al., 1995). Functional studies have shown that the R613W mutation significantly impacts enzyme activity (Goetzman et al., 2007). The The variant is found in ACADVL panel(s).

Laboratory for Molecular Medicine, Mass General Brigham Personalized Medicine
Classification: Pathogenic for Very long chain acyl-CoA dehydrogenase deficiency. Last evaluated: 2017-06-16. Review status: criteria provided, single submitter. Criteria: ACMG Guidelines, 2015. Collection method: clinical testing. Allele origin: germline. Inheritance: Autosomal recessive inheritance. Not counted in ClinVar's aggregate classification.
Comment: The p.Arg613Trp variant in ACADVL (also called p.Arg573Trp) has been reported in at least 4 individuals with clinical features of very long chain acyl-CoA dehydrogenase (VLCAD) deficiency. All four individuals were compound heterozygous with different pathogenic variants in ACADVL (Strauss 1995, Souri 1996, Andresen 1999, Gobin-Limballe 2007). In vitro functional studies provide evidence that the p.Arg613Trp variant may impact protein function resulting in little to no enzyme activity (Souri 1996, Goetzman 2007). However, these types of assays may not accurately represent biological function. This variant has been identified in 11/126434 of European by the Genome Aggregation Database (gnomAD; dbSNP rs118204014). Although this variant has been seen in the general population, its frequency is low enough to be consistent with a recessive carrier frequency. In summary, this variant meets criteria to be classified as pathogenic for very long chain acyl-CoA dehydrogenase deficiency in an autosomal recessive manner based upon case reports, low frequency in the general population and functional evidence.

Counsyl
Classification: Likely pathogenic for Very long chain acyl-CoA dehydrogenase deficiency. Last evaluated: 2014-03-29. Review status: no assertion criteria provided. Collection method: literature only. Allele origin: unknown. Inheritance: Autosomal recessive inheritance. Not counted in ClinVar's aggregate classification.

OMIM
Classification: Pathogenic for VLCAD DEFICIENCY. Last evaluated: 1996-01-01. Review status: no assertion criteria provided. Collection method: literature only. Allele origin: germline. Not counted in ClinVar's aggregate classification.

Literature cited by the submitters: PubMed 7479827 (cited by 6 submitters); PubMed 8554073 (cited by 7 submitters); PubMed 10077518 (cited by Labcorp Genetics (formerly Invitae), Labcorp); PubMed 17999356 (cited by 5 submitters); PubMed 19327992 (cited by 5 submitters); PubMed 17374501 (cited by 5 submitters); PubMed 35281659 (cited by Natera, Inc. and Women's Health and Genetics/Laboratory Corporation of America, LabCorp); PubMed 33123633 (cited by Natera, Inc.); PubMed 27943070 (cited by Women's Health and Genetics/Laboratory Corporation of America, LabCorp and Illumina Laboratory Services, Illumina); PubMed 4022672 (cited by Illumina Laboratory Services, Illumina and Counsyl); PubMed 7769092 (cited by Illumina Laboratory Services, Illumina and Counsyl); PubMed 9973285 (cited by Laboratory for Molecular Medicine, Mass General Brigham Personalized Medicine).